The following is an entry in ClinVar:

ClinVar aggregate classification (germline): Likely benign. Review status: criteria provided, single submitter (1 of 4 stars). 2 submissions from 2 submitters: Likely benign (1). 1 of the submissions does not count toward it. Last evaluated 2025-06-05.

Conditions:
SRCAP-related disorder. Also called: SRCAP-related condition.

Allele frequency attached by ClinVar (database versions not stated): TOPMed below 0.00001; ExAC 0.00001; gnomAD 0.00001.
gnomAD v4.1: 3 of 1,605,916 alleles (0.00019%); highest among the groups gnomAD compares: Admixed American, 0.0017%; no homozygotes.

Submissions (2):

Labcorp Genetics (formerly Invitae), Labcorp
Classification: Likely benign. Last evaluated: 2025-06-05. Review status: criteria provided, single submitter. Criteria: Invitae Variant Classification Sherloc (09022015). Collection method: clinical testing. Allele origin: germline.

PreventionGenetics, part of Exact Sciences
Classification: Likely benign for SRCAP-related condition. Last evaluated: 2024-07-02. Review status: no assertion criteria provided. Collection method: clinical testing. Allele origin: germline. Not counted in ClinVar's aggregate classification.
Comment: This variant is classified as likely benign based on ACMG/AMP sequence variant interpretation guidelines (Richards et al. 2015 PMID: 25741868, with internal and published modifications).

NM_006662.3(SRCAP):c.3261A>T (p.Pro1087=)

Gene: SRCAP (Snf2 related CREBBP activator protein; plus strand). Cytogenetic location: 16p11.2.
Variant type: single nucleotide variant.
Coding change: c.3261A>T on transcript NM_006662.3 (MANE Select); coding-DNA position 3261, A replaced by T.
Protein change: p.Pro1087=; no amino-acid change (proline 1087 retained).
Molecular consequence: synonymous variant.
Genome position (GRCh38, 1-based): chr16:30,721,196, A>T. VCF-style: chr16-30721196-A-T. GRCh37 (hg19) VCF-style: chr16-30732517-A-T.
Other names: c.3261A>T (NM_006662.2).
Identifiers: ClinVar variation 1937240 (VCV001937240.6), dbSNP rs781513781, ClinGen allele CA8011454.
Genomic context (GRCh38, chr16:30,721,196, plus strand): 5'-GGCTAAGGCTTTAGTCAGGGTATATCTGACAGGTGTTTGCTTTGTGTCTGCAGTGTTGCC[A>T]TCCCCCCTGGGGGTCCTGAGTGGGACCTCACGGCCTCCCACGCCAACCTTGTCCCTAAAG-3'
Protein context (NP_006653.2, residues 1077-1097): PNSGSLPQVL[Pro1087=]SPLGVLSGTS